The following continues an entry in ClinVar:

NM_033380.3(COL4A5):c.3508G>A (p.Gly1170Ser)

Gene: COL4A5. ClinVar aggregate classification (germline): Conflicting classifications of pathogenicity. Pathogenic (14); Likely pathogenic (1); Uncertain significance (1).

Submissions 11 to 18 of 18:

Victorian Clinical Genetics Services, Murdoch Childrens Research Institute
Classification: Pathogenic for X-linked Alport syndrome. Last evaluated: 2022-09-02. Review status: criteria provided, single submitter. Criteria: ACMG Guidelines, 2015. Collection method: clinical testing. Allele origin: germline. Inheritance: X-linked dominant inheritance. Affected: yes.
Comment: Based on the classification scheme VCGS_Germline_v1.3.4, this variant is classified as Pathogenic. Following criteria are met: 0103 - Dominant negative and loss of function are known mechanisms of disease in this gene and are associated with X-linked Alport syndrome 1 (MIM#301050). Dominant negative is caused mostly by glycine substitutions that affect the conformation of the protein, and loss of function can be caused by either protein truncating or missense variants (PMIDs: 24046192, 12028435). (I) 0110 - This gene is associated with X-linked dominant disease. Males are typically more severely affected than females (PMID: 19965530). (I) 0115 - Variants in this gene are known to have variable expressivity. There is intrafamilial variability among affected carrier females, possibly due to variable X-inactivation (PMID: 14514738). (I) 0200 - Variant is predicted to result in a missense amino acid change from glycine to serine. (I) 0253 - This variant is hemizygous. (I) 0302 - Variant is present in gnomAD <0.001 for a dominant condition (v2: 1 heterozygote, 0 homozygotes, 0 hemizygotes). (SP) 0501 - Missense variant consistently predicted to be damaging by multiple in silico tools or highly conserved with a major amino acid change. (SP) 0601 - Variant is located in the well-established functional triple helical domain. The residue affected is the Gly of the Gly-X-Y repeat (DECIPHER). (SP) 0801 - This variant has strong previous evidence of pathogenicity in unrelated individuals. It has been reported in at least ten individuals with Alport syndrome, and consistently classified as pathogenic by diagnostic laboratories in ClinVar (PMIDs: 24359068, 26346198, 30577881, 30647093, 33712733). (SP) 1208 - Inheritance information for this variant is not currently available in this individual. (I) Legend: (SP) - Supporting pathogenic, (I) - Information, (SB) - Supporting benign

Laboratory of Medical Genetics, National & Kapodistrian University of Athens
Classification: Pathogenic for X-linked Alport syndrome. Last evaluated: 2022-06-24. Review status: criteria provided, single submitter. Criteria: ACMG Guidelines, 2015. Collection method: clinical testing. Allele origin: germline. Affected: yes.
Comment: PS4, PM1, PM2, PM5, PP2, PP3, PP5

Broad Center for Mendelian Genomics, Broad Institute of MIT and Harvard
Classification: Uncertain significance for X-linked Alport syndrome. Last evaluated: 2022-05-04. Review status: criteria provided, single submitter. Criteria: ACMG Guidelines, 2015. Collection method: curation. Allele origin: germline. Inheritance: X-linked inheritance.
Comment: The variant has been reported in 11 individuals of unknown, European, and Japanese ethnicity with X-linked Alport syndrome (PMID: 10561141, 24359068, 18616531, 26346198, 30647093, 30577881, 25869794) and has been identified in 0.001% (1/77236) of European non-Finnish chromosomes by the Genome Aggregation Database (gnomAD; dbSNP ID: rs104886237). Although this variant has been seen in the general population, its frequency is not high enough to rule out a pathogenic role. This variant has also been reported in ClinVar (Variation ID: 24638) as pathogenic by Bioscientia Institut fuer Medizinische Diagnostik GmbH, Sonic Healthcare, and as Moderate by Research and Development, ARUP Laboratories. Computational prediction tools and conservation analyses suggest that this variant may impact the protein, though this information is not predictive enough to determine pathogenicity. In summary, while there is some suspicion for a pathogenic role, the clinical significance of this variant is uncertain. ACMG/AMP Criteria applied: PS4_moderate, PP3 (Richards 2015).

Fulgent Genetics
Classification: Pathogenic for X-linked Alport syndrome. Last evaluated: 2021-06-30. Review status: criteria provided, single submitter. Criteria: ACMG Guidelines, 2015. Collection method: clinical testing. Allele origin: unknown.
Comment: This variant has been detected in individual(s) who were sent for testing of Renasight - kidney gene panel.

Molecular Diagnostics Lab, Nemours Children's Health, Delaware
Classification: Pathogenic for X-linked Alport syndrome. Last evaluated: 2019-06-03. Review status: criteria provided, single submitter. Criteria: ACMG Guidelines, 2015. Collection method: clinical testing. Allele origin: unknown. Inheritance: Autosomal dominant inheritance. Affected: yes. Observed: 1 hemizygote.
Comment: This missense variant (c.3508G>A; p.Gly1170Ser) has not been observed in population databases (gnomAD), although it has been reported in the literature (PMID 10521141, PMID 26346198). Variant prediction programs suggest a deleterious effect, although no functional studies have been published.

Kasturba Medical College, Manipal, Kasturba Medical College, Manipal, Manipal Academy of Higher Education, Manipal, India
Classification: Pathogenic for X-linked Alport syndrome. Review status: criteria provided, single submitter. Criteria: ACMG Guidelines, 2015. Collection method: clinical testing. Allele origin: maternal. Affected: yes.

PreventionGenetics, part of Exact Sciences
Classification: Pathogenic for COL4A5-related condition. Last evaluated: 2024-09-27. Review status: no assertion criteria provided. Collection method: clinical testing. Allele origin: germline. Not counted in ClinVar's aggregate classification.
Comment: The COL4A5 c.3508G>A variant is predicted to result in the amino acid substitution p.Gly1170Ser. The p.Gly1170 residue resides in the triple-helical region (residues 42 – 1456) of the COL4A5 protein, where substitutions of the glycine (Gly) residue are usually pathogenic (Hudson et al. 1993. PubMed ID: 8253711). This variant is reported in 0.0013% of alleles in individuals of European (Non-Finnish) descent in gnomAD. This variant is interpreted as pathogenic.

Bioscientia Institut fuer Medizinische Diagnostik GmbH, Sonic Healthcare
Classification: Pathogenic for X-linked Alport syndrome. Last evaluated: 2018-11-09. Review status: no assertion criteria provided. Collection method: clinical testing. Allele origin: germline. Affected: yes. Not counted in ClinVar's aggregate classification.

Literature cited by the submitters: PubMed 25869794 (cited by Natera, Inc.); PubMed 19919694 (cited by 3 submitters); PubMed 37100867 (cited by Natera, Inc. and Women's Health and Genetics/Laboratory Corporation of America, LabCorp); PubMed 32703181 (cited by Natera, Inc.); PubMed 31328266 (cited by Natera, Inc. and Ambry Genetics); PubMed 20378821 (cited by Natera, Inc.); PubMed 10561141 (cited by Labcorp Genetics (formerly Invitae), Labcorp and Molecular Diagnostics Lab, Nemours Children's Health, Delaware); PubMed 30577881 (cited by 4 submitters); PubMed 7695699 (cited by Labcorp Genetics (formerly Invitae), Labcorp); PubMed 8218237 (cited by Labcorp Genetics (formerly Invitae), Labcorp); PubMed 19344236 (cited by Labcorp Genetics (formerly Invitae), Labcorp); PubMed 23720012 (cited by Labcorp Genetics (formerly Invitae), Labcorp); PubMed 27627812 (cited by Labcorp Genetics (formerly Invitae), Labcorp); PubMed 18616531 (cited by Ambry Genetics); PubMed 38668984 (cited by Ambry Genetics); PubMed 12028435 (cited by Victorian Clinical Genetics Services, Murdoch Childrens Research Institute); PubMed 14514738 (cited by Victorian Clinical Genetics Services, Murdoch Childrens Research Institute); PubMed 19965530 (cited by Victorian Clinical Genetics Services, Murdoch Childrens Research Institute); PubMed 24046192 (cited by Victorian Clinical Genetics Services, Murdoch Childrens Research Institute); PubMed 24359068 (cited by Victorian Clinical Genetics Services, Murdoch Childrens Research Institute); PubMed 26346198 (cited by Victorian Clinical Genetics Services, Murdoch Childrens Research Institute and Molecular Diagnostics Lab, Nemours Children's Health, Delaware); PubMed 30647093 (cited by Victorian Clinical Genetics Services, Murdoch Childrens Research Institute); PubMed 33712733 (cited by Victorian Clinical Genetics Services, Murdoch Childrens Research Institute); DOI 10.1136/jclinpath-2015-202953 (cited by Kasturba Medical College, Manipal, Kasturba Medical College, Manipal, Manipal Academy of Higher Education, Manipal, India).